The following is an entry in ClinVar:

NM_000360.4(TH):c.1218G>A (p.Glu406=)

Gene: TH (tyrosine hydroxylase; minus strand). Cytogenetic location: 11p15.5.
Variant type: single nucleotide variant.
Coding change: c.1218G>A on transcript NM_000360.4 (MANE Select); coding-DNA position 1218, G replaced by A.
Protein change: p.Glu406=; no amino-acid change (glutamic acid 406 retained).
Molecular consequence: synonymous variant.
Genome position (GRCh38, 1-based): chr11:2,165,348, C>T on the plus strand (G>A on the coding strand, the complement: TH is on the minus strand). VCF-style: chr11-2165348-C-T. GRCh37 (hg19) VCF-style: chr11-2186578-C-T.
Other names: c.1311G>A, p.Glu437= (NM_199292.3); c.1299G>A, p.Glu433= (NM_199293.3).
Identifiers: ClinVar variation 1097441 (VCV001097441.10), dbSNP rs2133689255, ClinGen allele CA472033979.
Genomic context (GRCh38, chr11:2,165,348, plus strand): 5'-CGTCTGGTCTTGGTAGGGCTGCACGGCCGCAGCCTCAGGGTCGAAGGCCCGAATCTCAGG[C>T]TCCTCAGACAGGCAGTGCTGGCAGGAGGCCAATGGCATCACTGACTCCACTGCACCCAGG-3'
Protein context (NP_000351.2, residues 396-416): YGELLHCLSE[Glu406=]PEIRAFDPEA

ClinVar aggregate classification (germline): Likely benign. Review status: criteria provided, multiple submitters, no conflicts (2 of 4 stars). 2 submissions from 2 submitters: Likely benign (2). Last evaluated 2026-09-01.

Conditions:
TH-deficient dopa-responsive dystonia. Also called: Tyrosine Hydroxylase-Deficient Dopa-Responsive Dystonia; Segawa syndrome, autosomal recessive; DYT-TH. Identifiers: Orphanet 101150, MedGen C2673535, MONDO:0011551, OMIM 605407.

Allele frequency attached by ClinVar (database versions not stated): gnomAD exomes below 0.00001.
gnomAD v4.1: 1 of 1,611,498 alleles (0.000062%); highest among the groups gnomAD compares: South Asian, 0.0011%; no homozygotes.

Submissions (2):

CeGaT Center for Human Genetics Tuebingen
Classification: Likely benign. Last evaluated: 2026-09-01. Review status: criteria provided, single submitter. Criteria: CeGaT Center For Human Genetics Tuebingen Variant Classification Criteria Version 2. Collection method: clinical testing. Allele origin: germline. Affected: yes. Observed: 1 variant allele.
Comment: TH: BP4, BP7

Labcorp Genetics (formerly Invitae), Labcorp
Classification: Likely benign for TH-deficient dopa-responsive dystonia. Last evaluated: 2024-04-01. Review status: criteria provided, single submitter. Criteria: Invitae Variant Classification Sherloc (09022015). Collection method: clinical testing. Allele origin: germline.